The following is an entry in ClinVar:

NM_005188.4(CBL):c.22A>G (p.Ser8Gly)

Genes: CBL (Cbl proto-oncogene; plus strand), LOC130006895 (ATAC-STARR-seq lymphoblastoid silent region 3975; plus strand). Cytogenetic location: 11q23.3.
Variant type: single nucleotide variant.
Coding change: c.22A>G on transcript NM_005188.4 (MANE Select); coding-DNA position 22, A replaced by G.
Protein change: p.Ser8Gly; replaces serine 8 with glycine.
Molecular consequence: missense variant.
Genome position (GRCh38, 1-based): chr11:119,206,439, A>G. VCF-style: chr11-119206439-A-G. GRCh37 (hg19) VCF-style: chr11-119077149-A-G.
Other names: short protein forms S8G.
Identifiers: ClinVar variation 3485596 (VCV003485596.1).

ClinVar aggregate classification (germline): Uncertain significance (1 of 4 stars; one submission).

Conditions:
Cardiovascular phenotype. Identifiers: MedGen CN230736.

Submission:

Ambry Genetics
Classification: Uncertain significance for Cardiovascular phenotype. Last evaluated: 2024-10-24. Review status: criteria provided, single submitter. Criteria: Ambry Variant Classification Scheme 2023. Collection method: clinical testing. Allele origin: germline.
Comment: The p.S8G variant (also known as c.22A>G), located in coding exon 1 of the CBL gene, results from an A to G substitution at nucleotide position 22. The serine at codon 8 is replaced by glycine, an amino acid with similar properties. This amino acid position is conserved. In addition, this alteration is predicted to be tolerated by in silico analysis. Based on the available evidence, the clinical significance of this variant remains unclear.